The following is an entry in ClinVar:

NM_201269.3(ZNF644):c.121G>T (p.Glu41Ter)

Gene: ZNF644 (zinc finger protein 644; minus strand). Cytogenetic location: 1p22.2.
Variant type: single nucleotide variant.
Coding change: c.121G>T on transcript NM_201269.3 (MANE Select); coding-DNA position 121, G replaced by T.
Protein change: p.Glu41Ter; replaces glutamic acid 41 with a stop codon.
Molecular consequence: nonsense. On other transcripts: intron variant (2).
Genome position (GRCh38, 1-based): chr1:90,941,233, C>A on the plus strand (G>T on the coding strand, the complement: ZNF644 is on the minus strand). VCF-style: chr1-90941233-C-A. GRCh37 (hg19) VCF-style: chr1-91406790-C-A.
Other names: c.121G>T, p.Glu41Ter (NM_001437610.1, NM_001437611.1, NM_001437612.1 and 1 more transcripts); c.23-23079G>T (NM_032186.5, NM_016620.4); short protein forms E41*.
Identifiers: ClinVar variation 4977747 (VCV004977747.1).
Genomic context (GRCh38, chr1:90,941,233, plus strand): 5'-CTTTTGGCTTATGAACTCCGCTCTCTTTGTCTGAGATAAAATTGTTGTCATCTAGGAGTT[C>A]TTCTTTAGCACCAGTAATATCGGTGTTTATCTTCAAATCATCCATATTGTTGGCAAGCCC-3'

ClinVar aggregate classification (germline): Uncertain significance (1 of 4 stars; one submission).

Conditions:
ZNF644-related disorder. Also called: ZNF644-related condition.

Submission:

PreventionGenetics, part of Exact Sciences
Classification: Uncertain significance for ZNF644-related condition. Last evaluated: 2026-04-12. Review status: criteria provided, single submitter. Criteria: ACMG Guidelines, 2015. Collection method: clinical testing. Allele origin: germline.
Comment: The ZNF644 c.121G>T variant is predicted to result in premature protein termination (p.Glu41*). To our knowledge, this variant has not been reported in the literature. This variant is absent in a large population database (gnomAD), indicating this variant is rare. Loss-of-function variants in ZNF644, such as this nonsense variant, are not yet an established mechanism of disease in the literature; however, statistical evidence in gnomAD suggests the ZNF644 gene is intolerant of loss-of-function variation. Although we suspect that this variant may be pathogenic, at this time, the clinical significance of this variant is uncertain due to the absence of conclusive functional and genetic evidence.